The following is an entry in ClinVar:

NM_199420.4(POLQ):c.3522A>T (p.Gln1174His)

Gene: POLQ (DNA polymerase theta; minus strand). Cytogenetic location: 3q13.33.
Variant type: single nucleotide variant.
Coding change: c.3522A>T on transcript NM_199420.4 (MANE Select); coding-DNA position 3522, A replaced by T.
Protein change: p.Gln1174His; replaces glutamine 1174 with histidine.
Molecular consequence: missense variant.
Genome position (GRCh38, 1-based): chr3:121,489,409, T>A on the plus strand (A>T on the coding strand, the complement: POLQ is on the minus strand). VCF-style: chr3-121489409-T-A. GRCh37 (hg19) VCF-style: chr3-121208256-T-A.
Other names: short protein forms Q1174H.
Identifiers: ClinVar variation 3308546 (VCV003308546.1).

ClinVar aggregate classification (germline): Uncertain significance (1 of 4 stars; one submission).

gnomAD v4.1: 1 of 1,614,058 alleles (0.000062%); highest among the groups gnomAD compares: Non-Finnish European, 0.000085%; no homozygotes.

Submission:

Ambry Genetics
Classification: Uncertain significance. Last evaluated: 2024-03-19. Review status: criteria provided, single submitter. Criteria: Ambry Variant Classification Scheme 2023. Collection method: clinical testing. Allele origin: germline.
Comment: The p.Q1174H variant (also known as c.3522A>T), located in coding exon 16 of the POLQ gene, results from an A to T substitution at nucleotide position 3522. The glutamine at codon 1174 is replaced by histidine, an amino acid with highly similar properties. This amino acid position is conserved. In addition, this alteration is predicted to be tolerated by in silico analysis. Based on the available evidence, the clinical significance of this alteration remains unclear.